The following is an entry in ClinVar:

ClinVar aggregate classification (germline): Uncertain significance. Review status: criteria provided, multiple submitters, no conflicts (2 of 4 stars). 5 submissions from 5 submitters: Uncertain significance (5). Last evaluated 2025-11-10.

Conditions:
Ataxia-telangiectasia-like disorder 1 (ATLD1). Identifiers: Orphanet 251347, MedGen C4012790, MONDO:0024557, OMIM 604391.
Hereditary cancer-predisposing syndrome. Also called: Neoplastic Syndromes, Hereditary; Tumor predisposition; Hereditary Cancer Syndrome; Hereditary neoplastic syndrome. Identifiers: Orphanet 140162, MedGen C0027672, MeSH D009386, MONDO:0015356.
Ataxia-telangiectasia-like disorder (ATLD). Identifiers: MedGen C1858391, MONDO:0011457.

gnomAD v4.1: 19 of 1,613,030 alleles (0.0012%); highest among the groups gnomAD compares: Middle Eastern, 0.017%; no homozygotes.

Submissions (5):

Labcorp Genetics (formerly Invitae), Labcorp
Classification: Uncertain significance for Ataxia-telangiectasia-like disorder. Last evaluated: 2025-11-10. Review status: criteria provided, single submitter. Criteria: Invitae Variant Classification Sherloc (09022015). Collection method: clinical testing. Allele origin: germline.
Comment: This sequence change replaces threonine, which is neutral and polar, with serine, which is neutral and polar, at codon 329 of the MRE11 protein (p.Thr329Ser). This variant is present in population databases (rs370645480, gnomAD 0.006%). This variant has not been reported in the literature in individuals affected with MRE11-related conditions. ClinVar contains an entry for this variant (Variation ID: 234106). An algorithm developed to predict the effect of missense changes on protein structure and function (PolyPhen-2) suggests that this variant is likely to be tolerated. Algorithms developed to predict the effect of sequence changes on RNA splicing suggest that this variant may create or strengthen a splice site. In summary, the available evidence is currently insufficient to determine the role of this variant in disease. Therefore, it has been classified as a Variant of Uncertain Significance.

Quest Diagnostics Nichols Institute San Juan Capistrano
Classification: Uncertain significance. Last evaluated: 2025-05-08. Review status: criteria provided, single submitter. Criteria: Quest Diagnostics criteria. Collection method: clinical testing. Allele origin: unknown.

Ambry Genetics
Classification: Uncertain significance for Hereditary cancer-predisposing syndrome. Last evaluated: 2024-11-15. Review status: criteria provided, single submitter. Criteria: Ambry Variant Classification Scheme 2023. Collection method: clinical testing. Allele origin: germline.
Comment: The p.T329S variant (also known as c.986C>G), located in coding exon 8 of the MRE11A gene, results from a C to G substitution at nucleotide position 986. The threonine at codon 329 is replaced by serine, an amino acid with similar properties. This amino acid position is well conserved in available vertebrate species. In addition, this alteration is predicted to be tolerated by in silico analysis. Based on the available evidence, the clinical significance of this variant remains unclear.

Fulgent Genetics
Classification: Uncertain significance for Ataxia-telangiectasia-like disorder 1. Last evaluated: 2024-04-30. Review status: criteria provided, single submitter. Criteria: ACMG Guidelines, 2015. Collection method: clinical testing. Allele origin: germline.

Women's Health and Genetics/Laboratory Corporation of America, LabCorp
Classification: Uncertain significance. Last evaluated: 2018-10-08. Review status: criteria provided, single submitter. Criteria: LabCorp Variant Classification Summary - May 2015. Collection method: clinical testing. Allele origin: germline.
Comment: Variant summary: MRE11A c.986C>G (p.Thr329Ser) results in a conservative amino acid change located in the Mre11, DNA-binding domain of the encoded protein sequence. Four of five in-silico tools predict a benign effect of the variant on protein function. The variant allele was found at a frequency of 2e-05 in 245906 control chromosomes (gnomAD). The available data on variant occurrences in the general population are insufficient to allow any conclusion about variant significance. To our knowledge, no occurrence of c.986C>G in individuals affected with Hereditary Breast and Ovarian Cancer and no experimental evidence demonstrating its impact on protein function have been reported. A ClinVar submission from a clinical diagnostic laboratory (evaluation after 2014) cites the variant as uncertain significance. Based on the evidence outlined above, the variant was classified as uncertain significance.

NM_005591.4(MRE11):c.986C>G (p.Thr329Ser)

Gene: MRE11 (MRE11 double strand break repair nuclease; minus strand). Cytogenetic location: 11q21.
Variant type: single nucleotide variant.
Coding change: c.986C>G on transcript NM_005591.4 (MANE Select); coding-DNA position 986, C replaced by G.
Protein change: p.Thr329Ser; replaces threonine 329 with serine.
Molecular consequence: missense variant.
Genome position (GRCh38, 1-based): chr11:94,470,502, G>C on the plus strand (C>G on the coding strand, the complement: MRE11 is on the minus strand). VCF-style: chr11-94470502-G-C. GRCh37 (hg19) VCF-style: chr11-94203668-G-C.
Other names: c.986C>G, p.Thr329Ser (NM_001330347.2, NM_005590.4); short protein forms T329S.
Identifiers: ClinVar variation 234106 (VCV000234106.16), dbSNP rs370645480, ClinGen allele CA6235251.